The following is an entry in ClinVar:

ClinVar aggregate classification (germline): Uncertain significance. Review status: criteria provided, multiple submitters, no conflicts (2 of 4 stars). 5 submissions from 5 submitters: Uncertain significance (4). 1 of the submissions does not count toward it. Last evaluated 2026-06-29.

Conditions:
Developmental and epileptic encephalopathy, 18 (DEE18). Also called: Early infantile epileptic encephalopathy 18. Identifiers: Orphanet 369894, MedGen C3809624, MONDO:0014201, OMIM 615476.
Self-limited epilepsy with centrotemporal spikes. Also called: Rolandic epilepsy; Childhood epilepsy with centrotemporal spikes. Identifiers: Orphanet 1945, MedGen C0376532, MONDO:0007295.

Allele frequency attached by ClinVar (database versions not stated): ExAC 0.00001; gnomAD 0.00001; gnomAD exomes 0.00001 and 0.00002; TOPMed 0.00002.
gnomAD v4.1: 26 of 1,614,140 alleles (0.0016%); highest among the groups gnomAD compares: Middle Eastern, 0.033%; no homozygotes.

Submissions (5):

Laboratory of Medical Genetics, University of Torino
Classification: Uncertain significance for Developmental and epileptic encephalopathy, 18. Last evaluated: 2026-06-29. Review status: criteria provided, single submitter. Criteria: ACMG Guidelines, 2015. Collection method: clinical testing. Allele origin: maternal. Affected: yes.

GeneDx
Classification: Uncertain significance. Last evaluated: 2023-09-28. Review status: criteria provided, single submitter. Criteria: GeneDx Variant Classification Process June 2021. Collection method: clinical testing. Allele origin: germline. Affected: yes.
Comment: Reported homozygous in an individual with persistent elevations of urine L-3-hydroxyisobutyric acid in published literature; however, a homozygous variant in another gene was identified that was more likely to explain phenotype (Sasarman et al., 2022); Not observed at significant frequency in large population cohorts (gnomAD); In silico analysis supports that this missense variant does not alter protein structure/function; This variant is associated with the following publications: (PMID: 35174513)

Genome-Nilou Lab
Classification: Uncertain significance for Developmental and epileptic encephalopathy, 18. Last evaluated: 2023-04-11. Review status: criteria provided, single submitter. Criteria: ACMG Guidelines, 2015. Collection method: clinical testing. Allele origin: germline. Affected: no.

Labcorp Genetics (formerly Invitae), Labcorp
Classification: Uncertain significance. Last evaluated: 2022-01-07. Review status: criteria provided, single submitter. Criteria: Invitae Variant Classification Sherloc (09022015). Collection method: clinical testing. Allele origin: germline.
Comment: This sequence change replaces threonine, which is neutral and polar, with isoleucine, which is neutral and non-polar, at codon 2923 of the SZT2 protein (p.Thr2923Ile). This variant is present in population databases (rs766294629, gnomAD 0.003%). This missense change has been observed in individual(s) with clinical features of Rolandic epilepsy (PMID: 29358611). ClinVar contains an entry for this variant (Variation ID: 433096). Algorithms developed to predict the effect of missense changes on protein structure and function are either unavailable or do not agree on the potential impact of this missense change (SIFT: "Tolerated"; PolyPhen-2: "Possibly Damaging"; Align-GVGD: "Class C25"). In summary, the available evidence is currently insufficient to determine the role of this variant in disease. Therefore, it has been classified as a Variant of Uncertain Significance.

Bioinformatics Core, Luxembourg Center for Systems Biomedicine
Classification: Pathogenic for Self-limited epilepsy with centrotemporal spikes. Last evaluated: 2017-01-01. Review status: no assertion criteria provided. Collection method: case-control. Allele origin: germline. Affected: yes. Study: EUROEPINOMICS COGIE. Not counted in ClinVar's aggregate classification.

Literature cited by the submitters: PubMed 29358611 (cited by Labcorp Genetics (formerly Invitae), Labcorp and Bioinformatics Core, Luxembourg Center for Systems Biomedicine).

NM_001365999.1(SZT2):c.8939C>T (p.Thr2980Ile)

Gene: SZT2 (SZT2 subunit of KICSTOR complex; plus strand). Cytogenetic location: 1p34.2.
Variant type: single nucleotide variant.
Coding change: c.8939C>T on transcript NM_001365999.1 (MANE Select); coding-DNA position 8939, C replaced by T.
Protein change: p.Thr2980Ile; replaces threonine 2980 with isoleucine.
Molecular consequence: missense variant.
Genome position (GRCh38, 1-based): chr1:43,446,201, C>T. VCF-style: chr1-43446201-C-T. GRCh37 (hg19) VCF-style: chr1-43911872-C-T.
Other names: c.8768C>T, p.Thr2923Ile (NM_015284.4); short protein forms T2923I, T2980I.
Identifiers: ClinVar variation 433096 (VCV000433096.10), dbSNP rs766294629, ClinGen allele CA810766.